The following is an entry in ClinVar:

NM_024334.3(TMEM43):c.399C>T (p.Tyr133=)

Gene: TMEM43 (transmembrane protein 43; plus strand). Cytogenetic location: 3p25.1.
Variant type: single nucleotide variant.
Coding change: c.399C>T on transcript NM_024334.3 (MANE Select); coding-DNA position 399, C replaced by T.
Protein change: p.Tyr133=; no amino-acid change (tyrosine 133 retained).
Molecular consequence: synonymous variant.
Genome position (GRCh38, 1-based): chr3:14,132,552, C>T. VCF-style: chr3-14132552-C-T. GRCh37 (hg19) VCF-style: chr3-14174052-C-T.
Identifiers: ClinVar variation 228012 (VCV000228012.7), dbSNP rs876657589, ClinGen allele CA10576609.

ClinVar aggregate classification (germline): Likely benign. Review status: criteria provided, multiple submitters, no conflicts (2 of 4 stars). 2 submissions from 2 submitters: Likely benign (2). Last evaluated 2021-03-09.

Conditions:
Cardiomyopathy (CMYO). Also called: Cardiomyopathies. Identifiers: Orphanet 167848, MedGen C0878544, MONDO:0004994, HP:0001638. Inheritance: Various modes of inheritance.

Submissions (2):

Color Diagnostics, LLC DBA Color Health
Classification: Likely benign for Cardiomyopathy. Last evaluated: 2021-03-09. Review status: criteria provided, single submitter. Criteria: ACMG Guidelines, 2015. Collection method: clinical testing. Allele origin: germline.

Laboratory for Molecular Medicine, Mass General Brigham Personalized Medicine
Classification: Likely benign. Last evaluated: 2015-04-07. Review status: criteria provided, single submitter. Criteria: LMM Criteria. Collection method: clinical testing. Allele origin: germline. Observed: 1 variant allele.
Comment: p.Tyr133Tyr in exon 5 of TMEM43: This variant is not expected to have clinical s ignificance because it does not alter an amino acid residue and is not located w ithin the splice consensus sequence.